The following is an entry in ClinVar:

ClinVar aggregate classification (germline): Pathogenic/Likely pathogenic. Review status: criteria provided, multiple submitters, no conflicts (2 of 4 stars). 6 submissions from 6 submitters: Pathogenic (1); Likely pathogenic (5). Last evaluated 2025-07-11.

Conditions:
Wolman disease (WOLD). Also called: Acid cholesteryl ester hydrolase deficiency, Wolman type; Acid lipase disease; Wolman disease, CESD; LYSOSOMAL ACID LIPASE DEFICIENCY, ACUTE INFANTILE; LYSOSOMAL ACID LIPASE DEFICIENCY, COMPLETE; LIPA DEFICIENCY, COMPLETE. Identifiers: Orphanet 75233, MedGen C0043208, MONDO:0019148, OMIM 620151.
Cholesteryl ester storage disease (CESD). Also called: Childhood/Adult-Onset LAL-D (Cholesterol Ester Storage Disease [CESD]). Identifiers: Orphanet 75234, MedGen C0008384, MONDO:0019149, OMIM 278000.
Lysosomal acid lipase deficiency. Also called: Acid cholesteryl ester hydrolase deficiency, type 2. Identifiers: Orphanet 275761, MedGen C5574740, MONDO:0800449, MONDO:0010204.

Allele frequency attached by ClinVar (database versions not stated): TOPMed 0.00001; gnomAD exomes below 0.00001.
gnomAD v4.1: 3 of 1,614,136 alleles (0.00019%); highest among the groups gnomAD compares: Non-Finnish European, 0.00025%; no homozygotes.

Submissions (6):

Natera, Inc.
Classification: Likely pathogenic for Lysosomal acid lipase deficiency. Last evaluated: 2025-07-11. Review status: criteria provided, single submitter. Criteria: Natera Variant Classification Schema (03/2026). Collection method: clinical testing. Allele origin: germline.
Comment: The c.1033G>A variant in LIPA is a missense variant predicted to cause substitution of aspartic acid to asparagine at amino acid 345. This variant is rare in the general population with a frequency below the threshold expected for the associated phenotype(s). This variant has been observed in one or more individuals affected with the associated recessive disease, as either homozygous or compound heterozygous with a second variant (PMID: 28881270, 30684275, 38730490). Additionally, this variant has been observed to segregate in affected family members (PMID: 28881270). Computational prediction algorithms indicate this variant is likely to affect gene or protein function. Given the available evidence, this variant is classified as Likely Pathogenic.

Revvity Omics, Revvity
Classification: Likely pathogenic. Last evaluated: 2024-05-07. Review status: criteria provided, single submitter. Criteria: ACMG Guidelines, 2015. Collection method: clinical testing. Allele origin: germline.

Fulgent Genetics
Classification: Likely pathogenic for Cholesteryl ester storage disease; Wolman disease. Last evaluated: 2024-04-26. Review status: criteria provided, single submitter. Criteria: ACMG Guidelines, 2015. Collection method: clinical testing. Allele origin: germline.

3billion
Classification: Likely pathogenic for Wolman disease. Last evaluated: 2023-09-14. Review status: criteria provided, single submitter. Criteria: ACMG Guidelines, 2015. Collection method: clinical testing. Allele origin: germline. Affected: yes.
Comment: The variant is not observed in the gnomAD v2.1.1 dataset. Predicted Consequence/Location: Missense variant In silico tool predictions suggest damaging effect of the variant on gene or gene product [REVEL: 0.81 (>=0.6, sensitivity 0.68 and specificity 0.92); 3Cnet: 0.93 (>=0.6, sensitivity 0.72 and precision 0.9)]. Same nucleotide change resulting in same amino acid change has been previously reported as pathogenic/likely pathogenic with strong evidence (ClinVar ID: VCV000695039 /PMID: 28881270). Therefore, this variant is classified as Likely pathogenic according to the recommendation of ACMG/AMP guideline.

Labcorp Genetics (formerly Invitae), Labcorp
Classification: Pathogenic for Wolman disease. Last evaluated: 2023-03-07. Review status: criteria provided, single submitter. Criteria: Invitae Variant Classification Sherloc (09022015). Collection method: clinical testing. Allele origin: germline.
Comment: For these reasons, this variant has been classified as Pathogenic. Advanced modeling of protein sequence and biophysical properties (such as structural, functional, and spatial information, amino acid conservation, physicochemical variation, residue mobility, and thermodynamic stability) performed at Invitae indicates that this missense variant is expected to disrupt LIPA protein function. ClinVar contains an entry for this variant (Variation ID: 695039). This missense change has been observed in individual(s) with lysosomal acid lipase (LAL) deficiency (PMID: 28881270, 30684275). It has also been observed to segregate with disease in related individuals. This variant is not present in population databases (gnomAD no frequency). This sequence change replaces aspartic acid, which is acidic and polar, with asparagine, which is neutral and polar, at codon 345 of the LIPA protein (p.Asp345Asn).

Alexion, Astrazeneca Rare Disease, Astrazeneca
Classification: Likely pathogenic for Lysosomal acid lipase deficiency. Last evaluated: 2019-06-01. Review status: criteria provided, single submitter. Criteria: ACMG Guidelines, 2015. Collection method: research. Allele origin: germline. Affected: yes.
Comment: ACMG PS3 criterion ascertained by in-vitro functional study, PMID:31180157

Literature cited by the submitters: PubMed 28881270 (cited by 4 submitters); PubMed 30684275 (cited by Natera, Inc. and Labcorp Genetics (formerly Invitae), Labcorp); PubMed 38730490 (cited by Natera, Inc.); PubMed 31180157 (cited by Alexion, Astrazeneca Rare Disease, Astrazeneca).

NM_000235.4(LIPA):c.1033G>A (p.Asp345Asn)

Gene: LIPA (lipase A, lysosomal acid type; minus strand). Cytogenetic location: 10q23.31.
Variant type: single nucleotide variant.
Coding change: c.1033G>A on transcript NM_000235.4 (MANE Select); coding-DNA position 1033, G replaced by A.
Protein change: p.Asp345Asn; replaces aspartic acid 345 with asparagine.
Molecular consequence: missense variant.
Genome position (GRCh38, 1-based): chr10:89,214,995, C>T on the plus strand (G>A on the coding strand, the complement: LIPA is on the minus strand). VCF-style: chr10-89214995-C-T. GRCh37 (hg19) VCF-style: chr10-90974752-C-T.
Other names: c.1033G>A (NM_000235.3); c.1033G>A, p.Asp345Asn (NM_001127605.3); c.685G>A, p.Asp229Asn (NM_001288979.2); short protein forms D229N, D345N.
Identifiers: ClinVar variation 695039 (VCV000695039.15), dbSNP rs1446626293, ClinGen allele CA377516297.